The following is an entry in ClinVar:

NM_152618.3(BBS12):c.1979C>T (p.Pro660Leu)

Gene: BBS12 (Bardet-Biedl syndrome 12; plus strand). Cytogenetic location: 4q27.
Variant type: single nucleotide variant.
Coding change: c.1979C>T on transcript NM_152618.3 (MANE Select); coding-DNA position 1979, C replaced by T.
Protein change: p.Pro660Leu; replaces proline 660 with leucine.
Molecular consequence: missense variant.
Genome position (GRCh38, 1-based): chr4:122,743,871, C>T. VCF-style: chr4-122743871-C-T. GRCh37 (hg19) VCF-style: chr4-123665026-C-T.
Other names: c.1979C>T, p.Pro660Leu (NM_001178007.2); short protein forms P660L.
Identifiers: ClinVar variation 662874 (VCV000662874.12), dbSNP rs147281546, ClinGen allele CA3069538.

ClinVar aggregate classification (germline): Conflicting classifications of pathogenicity. Review status: criteria provided, conflicting classifications (1 of 4 stars). 6 submissions from 6 submitters: Uncertain significance (3); Benign (1). 2 of the submissions do not count toward it. Last evaluated 2024-10-26.

Conditions:
Bardet-Biedl syndrome (BBS). Identifiers: Orphanet 110, MedGen C0752166, MONDO:0015229.
Bardet-Biedl syndrome 12 (BBS12). Identifiers: Orphanet 110, MedGen C1859570, MONDO:0014440, OMIM 615989.
BBS12-related disorder. Also called: BBS12-related condition.

Allele frequency attached by ClinVar (database versions not stated): gnomAD exomes 0.00009 and 0.00022; ExAC 0.00025; gnomAD 0.00044 and 0.00047; 1000 Genomes Project 30x 0.00047; TOPMed 0.00051; 1000 Genomes Project 0.00060; ESP Exome Variant Server 0.00062.
gnomAD v4.1: 218 of 1,604,846 alleles (0.014%); highest among the groups gnomAD compares: African/African-American, 0.14%; no homozygotes.

Submissions (6):

Labcorp Genetics (formerly Invitae), Labcorp
Classification: Uncertain significance for Bardet-Biedl syndrome. Last evaluated: 2024-10-26. Review status: criteria provided, single submitter. Criteria: Invitae Variant Classification Sherloc (09022015). Collection method: clinical testing. Allele origin: germline.
Comment: This sequence change replaces proline, which is neutral and non-polar, with leucine, which is neutral and non-polar, at codon 660 of the BBS12 protein (p.Pro660Leu). This variant is present in population databases (rs147281546, gnomAD 0.1%). This variant has not been reported in the literature in individuals affected with BBS12-related conditions. ClinVar contains an entry for this variant (Variation ID: 662874). Invitae Evidence Modeling of protein sequence and biophysical properties (such as structural, functional, and spatial information, amino acid conservation, physicochemical variation, residue mobility, and thermodynamic stability) indicates that this missense variant is not expected to disrupt BBS12 protein function with a negative predictive value of 80%. In summary, the available evidence is currently insufficient to determine the role of this variant in disease. Therefore, it has been classified as a Variant of Uncertain Significance.

Blueprint Genetics
Classification: Benign. Last evaluated: 2024-09-05. Review status: criteria provided, single submitter. Criteria: ACMG Guidelines, 2015. Collection method: clinical testing. Allele origin: germline.

GeneDx
Classification: Uncertain significance. Last evaluated: 2024-07-26. Review status: criteria provided, single submitter. Criteria: GeneDx Variant Classification Process June 2021. Collection method: clinical testing. Allele origin: germline. Affected: yes.
Comment: In silico analysis indicates that this missense variant does not alter protein structure/function; Has not been previously published as pathogenic or benign to our knowledge

New York Genome Center
Classification: Uncertain significance for Bardet-Biedl syndrome 12. Last evaluated: 2023-02-06. Review status: criteria provided, single submitter. Criteria: NYGC Assertion Criteria 2020. Collection method: clinical testing. Allele origin: germline. Observed: 1 heterozygote.

PreventionGenetics, part of Exact Sciences
Classification: Likely benign for BBS12-related condition. Last evaluated: 2020-08-28. Review status: no assertion criteria provided. Collection method: clinical testing. Allele origin: germline. Not counted in ClinVar's aggregate classification.
Comment: This variant is classified as likely benign based on ACMG/AMP sequence variant interpretation guidelines (Richards et al. 2015 PMID: 25741868, with internal and published modifications).

Natera, Inc.
Classification: Likely benign for Bardet-Biedl syndrome type 12. Last evaluated: 2020-05-01. Review status: no assertion criteria provided. Collection method: clinical testing. Allele origin: germline. Not counted in ClinVar's aggregate classification.